The following is an entry in ClinVar:

ClinVar aggregate classification (germline): Uncertain significance (1 of 4 stars; one submission).

Conditions:
Werner syndrome (WRN). Identifiers: Orphanet 902, MedGen C0043119, MONDO:0010196, OMIM 277700.

Submission:

Labcorp Genetics (formerly Invitae), Labcorp
Classification: Uncertain significance for Werner syndrome. Last evaluated: 2025-07-30. Review status: criteria provided, single submitter. Criteria: Invitae Variant Classification Sherloc (09022015). Collection method: clinical testing. Allele origin: germline.
Comment: This sequence change replaces glutamine, which is neutral and polar, with arginine, which is basic and polar, at codon 748 of the WRN protein (p.Gln748Arg). This variant is not present in population databases (gnomAD no frequency). This variant has not been reported in the literature in individuals affected with WRN-related conditions. ClinVar contains an entry for this variant (Variation ID: 1517317). An algorithm developed to predict the effect of missense changes on protein structure and function (PolyPhen-2) suggests that this variant is likely to be tolerated. In summary, the available evidence is currently insufficient to determine the role of this variant in disease. Therefore, it has been classified as a Variant of Uncertain Significance.

NM_000553.6(WRN):c.2243A>G (p.Gln748Arg)

Gene: WRN (WRN RecQ like helicase; plus strand). Cytogenetic location: 8p12.
Variant type: single nucleotide variant.
Coding change: c.2243A>G on transcript NM_000553.6 (MANE Select); coding-DNA position 2243, A replaced by G.
Protein change: p.Gln748Arg; replaces glutamine 748 with arginine.
Molecular consequence: missense variant.
Genome position (GRCh38, 1-based): chr8:31,111,769, A>G. VCF-style: chr8-31111769-A-G. GRCh37 (hg19) VCF-style: chr8-30969285-A-G.
Other names: short protein forms Q748R.
Identifiers: ClinVar variation 1517317 (VCV001517317.6), dbSNP rs2130284608, ClinGen allele CA370912875.